The following is an entry in ClinVar:

NM_000431.4(MVK):c.349C>T (p.Leu117=)

Gene: MVK (mevalonate kinase; plus strand). Cytogenetic location: 12q24.11.
Variant type: single nucleotide variant.
Coding change: c.349C>T on transcript NM_000431.4 (MANE Select); coding-DNA position 349, C replaced by T.
Protein change: p.Leu117=; no amino-acid change (leucine 117 retained).
Molecular consequence: synonymous variant.
Genome position (GRCh38, 1-based): chr12:109,579,924, C>T. VCF-style: chr12-109579924-C-T. GRCh37 (hg19) VCF-style: chr12-110017729-C-T.
Other names: c.349C>T, p.Leu117= (NM_001114185.3, NM_001301182.2).
Identifiers: ClinVar variation 546721 (VCV000546721.56), dbSNP rs374204972, ClinGen allele CA6779223.

ClinVar aggregate classification (germline): Likely benign. Review status: criteria provided, multiple submitters, no conflicts (2 of 4 stars). 5 submissions from 5 submitters: Likely benign (5). Last evaluated 2026-06-22.

Conditions:
MVK-related disorder. Also called: MVK-related condition; MVK-related disorders. Identifiers: MedGen CN239294.
Mevalonic aciduria (MEVA). Identifiers: Orphanet 29, MedGen C1959626, MONDO:0012481, OMIM 610377.
Hyperimmunoglobulin D with periodic fever (HIDS). Also called: Hyperimmunoglobulinemia D; HYPERIMMUNOGLOBULINEMIA D AND PERIODIC FEVER SYNDROME; Hyperimmunoglobulinemia D with periodic fever. Identifiers: Orphanet 343, MedGen C0398691, MONDO:0009849, OMIM 260920.
Porokeratosis 3, disseminated superficial actinic type (POROK3). Also called: POROKERATOSIS, DISSEMINATED SUPERFICIAL ACTINIC, 1; POROKERATOSIS 3, MULTIPLE TYPES; POROKERATOSIS 3, MIBELLI TYPE. Identifiers: MedGen C1867981, MONDO:0008293, OMIM 175900.

Allele frequency attached by ClinVar (database versions not stated): gnomAD 0.00004 and 0.00007; gnomAD exomes 0.00006 and 0.00015; ESP Exome Variant Server 0.00008; TOPMed 0.00008; ExAC 0.00014; 1000 Genomes Project 30x 0.00016; 1000 Genomes Project 0.00020.
gnomAD v4.1: 114 of 1,614,214 alleles (0.0071%); highest among the groups gnomAD compares: South Asian, 0.012%; no homozygotes.

Submissions (5):

PreventionGenetics, part of Exact Sciences
Classification: Likely benign for MVK-related condition. Last evaluated: 2026-06-22. Review status: criteria provided, single submitter. Criteria: ACMG Guidelines, 2015. Collection method: clinical testing. Allele origin: germline.
Comment: This variant is classified as likely benign based on ACMG/AMP sequence variant interpretation guidelines (Richards et al. 2015 PMID: 25741868, with internal and published modifications).

Labcorp Genetics (formerly Invitae), Labcorp
Classification: Likely benign for Mevalonic aciduria; Hyperimmunoglobulin D with periodic fever; Porokeratosis 3, disseminated superficial actinic type. Last evaluated: 2025-12-17. Review status: criteria provided, single submitter. Criteria: Invitae Variant Classification Sherloc (09022015). Collection method: clinical testing. Allele origin: germline.

Blueprint Genetics
Classification: Likely benign. Last evaluated: 2024-08-30. Review status: criteria provided, single submitter. Criteria: ACMG Guidelines, 2015. Collection method: clinical testing. Allele origin: germline.

CeGaT Center for Human Genetics Tuebingen
Classification: Likely benign. Last evaluated: 2023-07-01. Review status: criteria provided, single submitter. Criteria: CeGaT Center For Human Genetics Tuebingen Variant Classification Criteria Version 2. Collection method: clinical testing. Allele origin: germline. Affected: yes. Observed: 2 variant alleles.
Comment: MVK: BP4, BP7

GeneDx
Classification: Likely benign. Last evaluated: 2019-03-06. Review status: criteria provided, single submitter. Criteria: GeneDx Variant Classification Process June 2021. Collection method: clinical testing. Allele origin: germline. Affected: yes.